The following is an entry in ClinVar:

ClinVar aggregate classification (germline): Uncertain significance (0 of 4 stars; one submission).

Conditions:
SEMA3F-related disorder. Also called: SEMA3F-related condition.

gnomAD v4.1: 13 of 1,613,876 alleles (0.00081%); highest among the groups gnomAD compares: Non-Finnish European, 0.0011%; no homozygotes.

Submission:

PreventionGenetics, part of Exact Sciences
Classification: Uncertain significance for SEMA3F-related condition. Last evaluated: 2024-08-19. Review status: no assertion criteria provided. Collection method: clinical testing. Allele origin: germline.
Comment: The SEMA3F c.1426G>A variant is predicted to result in the amino acid substitution p.Gly476Arg. To our knowledge, this variant has not been reported in the literature. This variant is reported in 0.00088% of alleles in individuals of European (Non-Finnish) descent in gnomAD. At this time, the clinical significance of this variant is uncertain due to the absence of conclusive functional and genetic evidence.

NM_004186.5(SEMA3F):c.1426G>A (p.Gly476Arg)

Gene: SEMA3F (semaphorin 3F; plus strand). Cytogenetic location: 3p21.31.
Variant type: single nucleotide variant.
Coding change: c.1426G>A on transcript NM_004186.5 (MANE Select); coding-DNA position 1426, G replaced by A.
Protein change: p.Gly476Arg; replaces glycine 476 with arginine.
Molecular consequence: missense variant.
Genome position (GRCh38, 1-based): chr3:50,184,784, G>A. VCF-style: chr3-50184784-G-A. GRCh37 (hg19) VCF-style: chr3-50222217-G-A.
Other names: c.1129G>A, p.Gly377Arg (NM_001318798.2); c.1333G>A, p.Gly445Arg (NM_001318800.2); short protein forms G377R, G445R, G476R.
Identifiers: ClinVar variation 3355862 (VCV003355862.1).